The following is an entry in ClinVar:

NM_006593.4(TBR1):c.1161T>C (p.Phe387=)

Gene: TBR1 (T-box brain transcription factor 1; plus strand). Cytogenetic location: 2q24.2.
Variant type: single nucleotide variant.
Coding change: c.1161T>C on transcript NM_006593.4 (MANE Select); coding-DNA position 1161, T replaced by C.
Protein change: p.Phe387=; no amino-acid change (phenylalanine 387 retained).
Molecular consequence: synonymous variant.
Genome position (GRCh38, 1-based): chr2:161,420,228, T>C. VCF-style: chr2-161420228-T-C. GRCh37 (hg19) VCF-style: chr2-162276739-T-C.
Identifiers: ClinVar variation 778013 (VCV000778013.34), dbSNP rs181943543, ClinGen allele CA1930919.

ClinVar aggregate classification (germline): Likely benign. Review status: criteria provided, multiple submitters, no conflicts (2 of 4 stars). 3 submissions from 3 submitters: Likely benign (2). 1 of the submissions does not count toward it. Last evaluated 2025-10-01.

Conditions:
TBR1-related disorder. Also called: TBR1-related condition.

Allele frequency attached by ClinVar (database versions not stated): 1000 Genomes Project 30x 0.00031; 1000 Genomes Project 0.00040; gnomAD exomes 0.00001 and 0.00002; ExAC 0.00002; TOPMed 0.00002; gnomAD 0.00004.
gnomAD v4.1: 35 of 1,613,682 alleles (0.0022%); highest among the groups gnomAD compares: Middle Eastern, 0.033%; no homozygotes.

Submissions (3):

CeGaT Center for Human Genetics Tuebingen
Classification: Likely benign. Last evaluated: 2025-10-01. Review status: criteria provided, single submitter. Criteria: CeGaT Center For Human Genetics Tuebingen Variant Classification Criteria Version 2. Collection method: clinical testing. Allele origin: germline. Affected: yes. Observed: 3 variant alleles.
Comment: TBR1: BP4, BP7

Labcorp Genetics (formerly Invitae), Labcorp
Classification: Likely benign. Last evaluated: 2018-07-05. Review status: criteria provided, single submitter. Criteria: Invitae Variant Classification Sherloc (09022015). Collection method: clinical testing. Allele origin: germline.

PreventionGenetics, part of Exact Sciences
Classification: Likely benign for TBR1-related condition. Last evaluated: 2019-07-01. Review status: no assertion criteria provided. Collection method: clinical testing. Allele origin: germline. Not counted in ClinVar's aggregate classification.
Comment: This variant is classified as likely benign based on ACMG/AMP sequence variant interpretation guidelines (Richards et al. 2015 PMID: 25741868, with internal and published modifications).